The following is an entry in ClinVar:

ClinVar aggregate classification (germline): Likely pathogenic. Review status: criteria provided, multiple submitters, no conflicts (2 of 4 stars). 2 submissions from 2 submitters: Likely pathogenic (2). Last evaluated 2025-07-31.

Conditions:
Hereditary cancer-predisposing syndrome. Also called: Hereditary neoplastic syndrome; Neoplastic Syndromes, Hereditary; Tumor predisposition; Hereditary Cancer Syndrome. Identifiers: Orphanet 140162, MedGen C0027672, MeSH D009386, MONDO:0015356.

Allele frequency attached by ClinVar (database versions not stated): gnomAD exomes below 0.00001.
gnomAD v4.1: 1 of 1,614,240 alleles (0.000062%); highest among the groups gnomAD compares: Non-Finnish European, 0.000085%; no homozygotes.

Submissions (2):

Labcorp Genetics (formerly Invitae), Labcorp
Classification: Likely pathogenic. Last evaluated: 2025-07-31. Review status: criteria provided, single submitter. Criteria: Invitae Variant Classification Sherloc (09022015). Collection method: clinical testing. Allele origin: germline.
Comment: This sequence change replaces glutamic acid, which is acidic and polar, with lysine, which is basic and polar, at codon 355 of the FH protein (p.Glu355Lys). This variant is not present in population databases (gnomAD no frequency). This missense change has been observed in individual(s) with autosomal dominant FH-related conditions and/or multiple cutaneous and uterine leiomyomatosis (PMID: 12761039; internal data). This variant is also known as Glu312Lys. ClinVar contains an entry for this variant (Variation ID: 2053225). Invitae Evidence Modeling of protein sequence and biophysical properties (such as structural, functional, and spatial information, amino acid conservation, physicochemical variation, residue mobility, and thermodynamic stability) indicates that this missense variant is expected to disrupt FH protein function with a positive predictive value of 95%. In summary, the currently available evidence indicates that the variant is pathogenic, but additional data are needed to prove that conclusively. Therefore, this variant has been classified as Likely Pathogenic.

Ambry Genetics
Classification: Likely pathogenic for Hereditary cancer-predisposing syndrome. Last evaluated: 2025-03-18. Review status: criteria provided, single submitter. Criteria: Ambry Variant Classification Scheme 2023. Collection method: clinical testing. Allele origin: germline.
Comment: The p.E355K variant (also known as c.1063G>A), located in coding exon 7 of the FH gene, results from a G to A substitution at nucleotide position 1063. The glutamic acid at codon 355 is replaced by lysine, an amino acid with similar properties. This variant was reported in individual(s) with features consistent with hereditary leiomyomatosis and renal cell cancer (Alam NA et al. Hum Mol Genet, 2003 Jun;12:1241-52; Ambry internal data). Note, this variant is also referred to as E312K in the literature. This amino acid position is highly conserved in available vertebrate species. In addition, this alteration is predicted to be deleterious by in silico analysis. Based on the majority of available evidence to date, this variant is likely to be pathogenic.

Literature cited by the submitters: PubMed 12761039 (cited by Labcorp Genetics (formerly Invitae), Labcorp and Ambry Genetics).

NM_000143.4(FH):c.1063G>A (p.Glu355Lys)

Gene: FH (fumarate hydratase; minus strand). Cytogenetic location: 1q43.
Variant type: single nucleotide variant.
Coding change: c.1063G>A on transcript NM_000143.4 (MANE Select); coding-DNA position 1063, G replaced by A.
Protein change: p.Glu355Lys; replaces glutamic acid 355 with lysine.
Molecular consequence: missense variant.
Genome position (GRCh38, 1-based): chr1:241,504,087, C>T on the plus strand (G>A on the coding strand, the complement: FH is on the minus strand). VCF-style: chr1-241504087-C-T. GRCh37 (hg19) VCF-style: chr1-241667387-C-T.
Other names: short protein forms E355K.
Identifiers: ClinVar variation 2053225 (VCV002053225.5), dbSNP rs1060499642, ClinGen allele CA345438088.
Genomic context (GRCh38, chr1:241,504,087, plus strand): 5'-TAGCTATGTGATTACCTGGCATGATACTGCTTCCTGGTTCATTTTCAGGCAAGATCAATT[C>T]TCCCAGACCTGACCGAGGACCAGAACCCAAAAATCGAATATCATTTGCTATCTTCATCAG-3'
Protein context (NP_000134.2, residues 345-365): LGSGPRSGLG[Glu355Lys]LILPENEPGS